The following is an entry in ClinVar:

ClinVar aggregate classification (germline): Pathogenic. Review status: criteria provided, multiple submitters, no conflicts (2 of 4 stars). 6 submissions from 6 submitters: Pathogenic (4). 2 of the submissions do not count toward it. Last evaluated 2026-03-01.

Conditions:
KRT5-related disorder. Also called: KRT5-related condition.
Epidermolysis bullosa simplex 2C, localized (EBS2C). Also called: Epidermolysis bullosa simplex 2C, Weber-Cockayne type. Identifiers: MedGen C5562011, MONDO:0030527, OMIM 619594.
Epidermolysis bullosa simplex 1C, localized. Also called: Epidermolysis Bullosa Simplex, Weber-Cockayne Type; Localized epidermolysis bullosa simplex; EBS, ACRAL FORM; EPIDERMOLYSIS BULLOSA OF HANDS AND FEET; Weber-Cockayne Syndrome. Identifiers: Orphanet 79400, MedGen C0080333, MONDO:0007551, OMIM 131800.

gnomAD v4.1: 2 of 1,613,920 alleles (0.00012%); highest among the groups gnomAD compares: Non-Finnish European, 0.00017%; no homozygotes.

Submissions (6):

PreventionGenetics, part of Exact Sciences
Classification: Pathogenic for KRT5-related condition. Last evaluated: 2026-03-01. Review status: criteria provided, single submitter. Criteria: ACMG Guidelines, 2015. Collection method: clinical testing. Allele origin: germline.
Comment: The KRT5 c.482T>G variant is predicted to result in the amino acid substitution p.Ile161Ser. This variant has been reported in many individuals with autosomal dominant epidermolysis bullosa and segregated with disease in affected family members (Chan et al. 1993. PubMed ID: 7688477; Ehrlich et al. 1995. PubMed ID: 7537780; Pfendner et al. 2005. PubMed ID: 16098032). This variant has not been reported in a large population database, indicating it is rare. This variant is interpreted as pathogenic.

Labcorp Genetics (formerly Invitae), Labcorp
Classification: Pathogenic. Last evaluated: 2025-12-11. Review status: criteria provided, single submitter. Criteria: Invitae Variant Classification Sherloc (09022015). Collection method: clinical testing. Allele origin: germline.
Comment: This sequence change replaces isoleucine, which is neutral and non-polar, with serine, which is neutral and polar, at codon 161 of the KRT5 protein (p.Ile161Ser). This variant is not present in population databases (gnomAD no frequency). This missense change has been observed in individuals with autosomal dominant epidermolysis bullosa simplex (PMID: 7537780, 7688477, 16098032). It has also been observed to segregate with disease in related individuals. ClinVar contains an entry for this variant (Variation ID: 14640). Invitae Evidence Modeling of protein sequence and biophysical properties (such as structural, functional, and spatial information, amino acid conservation, physicochemical variation, residue mobility, and thermodynamic stability) indicates that this missense variant is expected to disrupt KRT5 protein function with a positive predictive value of 95%. For these reasons, this variant has been classified as Pathogenic.

Greenwood Genetic Center Diagnostic Laboratories, Greenwood Genetic Center
Classification: Pathogenic for Epidermolysis bullosa simplex 1C, localized. Last evaluated: 2021-06-14. Review status: criteria provided, single submitter. Criteria: ACMG Guidelines, 2015. Collection method: clinical testing. Allele origin: germline. Affected: yes.
Comment: PP1_strong, PS4, PM5_Supporting, PP3, PM1, PM2

GeneDx
Classification: Pathogenic. Last evaluated: 2021-06-03. Review status: criteria provided, single submitter. Criteria: GeneDx Variant Classification Process June 2021. Collection method: clinical testing. Allele origin: germline. Affected: yes.
Comment: Located in the highly conserved head domain, preceding the helix initiation motif; keratin gene variants affecting the residues at the head domain in type II keratins are known to interfere with proper keratin intermediate filament assembly and function, resulting in skin fragility, blistering, and/or hyperkeratosis (Chamcheu et al., 2011); Not observed at significant frequency in large population cohorts (Lek et al., 2016); In silico analysis supports that this missense variant has a deleterious effect on protein structure/function; This variant is associated with the following publications: (PMID: 7537780, 29334134, 7688477, 27065010, 16098032, 27535533)

OMIM
Classification: Pathogenic for EPIDERMOLYSIS BULLOSA SIMPLEX 2C, LOCALIZED. Last evaluated: 2005-08-01. Review status: no assertion criteria provided. Collection method: literature only. Allele origin: germline. Not counted in ClinVar's aggregate classification.

Epithelial Biology;  Institute of Medical Biology, Singapore
No classification provided. Review status: no classification provided. Collection method: not provided. Allele origin: not provided. Not counted in ClinVar's aggregate classification.

Literature cited by the submitters: PubMed 7537780 (cited by Labcorp Genetics (formerly Invitae), Labcorp and OMIM); PubMed 7688477 (cited by Labcorp Genetics (formerly Invitae), Labcorp and OMIM); PubMed 16098032 (cited by Labcorp Genetics (formerly Invitae), Labcorp and OMIM).

NM_000424.4(KRT5):c.482T>G (p.Ile161Ser)

Gene: KRT5 (keratin 5; minus strand). Cytogenetic location: 12q13.13.
Variant type: single nucleotide variant.
Coding change: c.482T>G on transcript NM_000424.4 (MANE Select); coding-DNA position 482, T replaced by G.
Protein change: p.Ile161Ser; replaces isoleucine 161 with serine.
Molecular consequence: missense variant.
Genome position (GRCh38, 1-based): chr12:52,519,815, A>C on the plus strand (T>G on the coding strand, the complement: KRT5 is on the minus strand). VCF-style: chr12-52519815-A-C. GRCh37 (hg19) VCF-style: chr12-52913599-A-C.
Other names: short protein forms I161S.
Identifiers: ClinVar variation 14640 (VCV000014640.18), dbSNP rs58058996, ClinGen allele CA216724.
Genomic context (GRCh38, chr12:52,519,815, plus strand): 5'-GAGGCAAACTTATTGTTGAGGGTCTTGATCTGCTCGCGCTCCTCGGTCCTCACCCTCTGG[A>C]TGCTGGGGTCGATTTGCAGGTTGAGGGGAGTCAGGAGACTCTGGTTGACAGTGACCTCTT-3'
Protein context (NP_000415.2, residues 151-171): TPLNLQIDPS[Ile161Ser]QRVRTEEREQ